The following is an entry in ClinVar:

ClinVar aggregate classification (germline): Uncertain significance (1 of 4 stars; one submission).

Conditions:
MAPT-related disorder. Also called: MAPT-related condition; MAPT-Related Disorders.

Allele frequency attached by ClinVar (database versions not stated): gnomAD 0.00002; gnomAD exomes 0.00002; TOPMed 0.00002; ExAC 0.00003.
gnomAD v4.1: 38 of 1,608,802 alleles (0.0024%); highest among the groups gnomAD compares: East Asian, 0.038%; no homozygotes.

Submission:

PreventionGenetics, part of Exact Sciences
Classification: Uncertain significance for MAPT-related condition. Last evaluated: 2023-07-21. Review status: criteria provided, single submitter. Criteria: ACMG Guidelines, 2015. Collection method: clinical testing. Allele origin: germline.
Comment: The MAPT c.394G>A variant is predicted to result in the amino acid substitution p.Val132Ile. To our knowledge, this variant has not been reported in the literature. This variant is reported in 0.020% of alleles in individuals of East Asian descent in gnomAD. At this time, the clinical significance of this variant is uncertain due to the absence of conclusive functional and genetic evidence.

NM_001377265.1(MAPT):c.619G>A (p.Val207Ile)

Gene: MAPT (microtubule associated protein tau). Cytogenetic location: 17q21.31.
Variant type: single nucleotide variant.
Coding change: c.619G>A on transcript NM_001377265.1 (MANE Select); coding-DNA position 619, G replaced by A.
Protein change: p.Val207Ile; replaces valine 207 with isoleucine.
Molecular consequence: missense variant. On other transcripts: intron variant (8).
Genome position (GRCh38, 1-based): chr17:45,983,198, G>A. VCF-style: chr17-45983198-G-A. GRCh37 (hg19) VCF-style: chr17-44060564-G-A.
Other names: c.394G>A, p.Val132Ile (NM_001123066.4, NM_016835.5); c.619G>A, p.Val207Ile (NM_001377266.1); c.200-3842G>A (NM_001377268.1, NM_016834.5, NM_016841.5); c.374-3842G>A (NM_005910.6, NM_001203252.2); c.287-3842G>A (NM_001123067.4, NM_001203251.2, NM_001377267.1); short protein forms V132I, V207I.
Identifiers: ClinVar variation 2636069 (VCV002636069.1), dbSNP rs764486429, ClinGen allele CA8617667.